The following is an entry in ClinVar:

ClinVar aggregate classification (germline): Uncertain significance. Review status: criteria provided, multiple submitters, no conflicts (2 of 4 stars). 3 submissions from 3 submitters: Uncertain significance (3). Last evaluated 2025-11-13.

Conditions:
RASopathy. Also called: rasopathies; Noonan spectrum disorder. Identifiers: Orphanet 536391, MedGen C5555857, MONDO:0021060.

Submissions (3):

Dasa
Classification: Uncertain significance. Last evaluated: 2025-11-13. Review status: criteria provided, single submitter. Criteria: DASA Assertion Criteria. Collection method: clinical testing. Allele origin: germline.
Comment: NM_002880.4(RAF1):c.830T>G (p.Ile277Ser) is a missense variant that results in the substitution of isoleucine with serine. This variant is absent from population databases. The currently available literature and clinical evidence are not sufficient to establish a definitive association between this variant and the reported condition. Therefore, this variant is classified as a variant of uncertain significance.

Labcorp Genetics (formerly Invitae), Labcorp
Classification: Uncertain significance for RASopathy. Last evaluated: 2024-09-19. Review status: criteria provided, single submitter. Criteria: Invitae Variant Classification Sherloc (09022015). Collection method: clinical testing. Allele origin: germline.
Comment: This sequence change replaces isoleucine, which is neutral and non-polar, with serine, which is neutral and polar, at codon 277 of the RAF1 protein (p.Ile277Ser). This variant is not present in population databases (gnomAD no frequency). This variant has not been reported in the literature in individuals affected with RAF1-related conditions. ClinVar contains an entry for this variant (Variation ID: 561619). Invitae Evidence Modeling of protein sequence and biophysical properties (such as structural, functional, and spatial information, amino acid conservation, physicochemical variation, residue mobility, and thermodynamic stability) has been performed for this missense variant. However, the output from this modeling did not meet the statistical confidence thresholds required to predict the impact of this variant on RAF1 protein function. In summary, the available evidence is currently insufficient to determine the role of this variant in disease. Therefore, it has been classified as a Variant of Uncertain Significance.

GeneDx
Classification: Uncertain significance. Last evaluated: 2018-02-21. Review status: criteria provided, single submitter. Criteria: GeneDx Variant Classification (06012015). Collection method: clinical testing. Allele origin: germline. Affected: yes.
Comment: The I277S variant of uncertain significance in the RAF1 gene has not been published as pathogenic or been reported as benign to our knowledge. This variant is not observed in large population cohorts (Lek et al., 2016). The I277S variant is a non-conservative amino acid substitution, which is likely to impact secondary protein structure as these residues differ in polarity, charge, size and/or other properties. However, in-silico analyses, including protein predictors and evolutionary conservation, support that this variant does not alter protein structure/function.

NM_002880.4(RAF1):c.830T>G (p.Ile277Ser)

Gene: RAF1 (Raf-1 proto-oncogene, serine/threonine kinase; minus strand). Cytogenetic location: 3p25.2.
Variant type: single nucleotide variant.
Coding change: c.830T>G on transcript NM_002880.4 (MANE Select); coding-DNA position 830, T replaced by G.
Protein change: p.Ile277Ser; replaces isoleucine 277 with serine.
Molecular consequence: missense variant. On other transcripts: non-coding transcript variant (3).
Genome position (GRCh38, 1-based): chr3:12,604,140, A>C on the plus strand (T>G on the coding strand, the complement: RAF1 is on the minus strand). VCF-style: chr3-12604140-A-C. GRCh37 (hg19) VCF-style: chr3-12645639-A-C.
Other names: c.830T>G, p.Ile277Ser (NM_001354689.3, NM_001354690.3); c.587T>G, p.Ile196Ser (NM_001354691.3, NM_001354692.3, NM_001354694.3); c.731T>G, p.Ile244Ser (NM_001354693.3); c.488T>G, p.Ile163Ser (NM_001354695.3); short protein forms I277S, I244S, I163S, I196S.
Identifiers: ClinVar variation 561619 (VCV000561619.6), dbSNP rs1559425852, ClinGen allele CA351511915.